The following is an entry in ClinVar:

ClinVar aggregate classification (germline): Uncertain significance (1 of 4 stars; one submission).

gnomAD v4.1: 1 of 1,613,464 alleles (0.000062%); highest among the groups gnomAD compares: South Asian, 0.0011%; no homozygotes.

Submission:

Ambry Genetics
Classification: Uncertain significance. Last evaluated: 2026-01-15. Review status: criteria provided, single submitter. Criteria: Ambry Variant Classification Scheme 2023. Collection method: clinical testing. Allele origin: germline.
Comment: The p.F916L variant (also known as c.2746T>C), located in coding exon 11 of the WNK2 gene, results from a T to C substitution at nucleotide position 2746. The phenylalanine at codon 916 is replaced by leucine, an amino acid with highly similar properties. This amino acid position is conserved. In addition, this alteration is predicted to be tolerated by in silico analysis. Based on the available evidence, the clinical significance of this variant remains unclear.

NM_006648.4(WNK2):c.2746T>C (p.Phe916Leu)

Gene: WNK2 (WNK lysine deficient protein kinase 2; plus strand). Cytogenetic location: 9q22.31.
Variant type: single nucleotide variant.
Coding change: c.2746T>C on transcript NM_006648.4 (MANE Select); coding-DNA position 2746, T replaced by C.
Protein change: p.Phe916Leu; replaces phenylalanine 916 with leucine.
Molecular consequence: missense variant.
Genome position (GRCh38, 1-based): chr9:93,259,294, T>C. VCF-style: chr9-93259294-T-C. GRCh37 (hg19) VCF-style: chr9-96021576-T-C.
Other names: c.2746T>C, p.Phe916Leu (NM_001282394.3); short protein forms F916L.
Identifiers: ClinVar variation 4844845 (VCV004844845.1).
Genomic context (GRCh38, chr9:93,259,294, plus strand): 5'-GCCCTGTCCATTCATTCTGCCGTGGCCCAGCTCCCAGGCCAACCTGTGTACCCAGCGGCC[T>C]TCCCACAGATGGCGCCTACTGACGTCCCTCCTTCCCCCCATCACACGGTGCAGAATATGA-3'
Protein context (NP_006639.3, residues 906-926): LPGQPVYPAA[Phe916Leu]PQMAPTDVPP